The following is an entry in ClinVar:

NM_001127208.3(TET2):c.3711G>A (p.Pro1237=)

Genes: TET2 (tet methylcytosine dioxygenase 2; plus strand), TET2-AS1 (TET2 antisense RNA 1; minus strand). Cytogenetic location: 4q24.
Variant type: single nucleotide variant.
Coding change: c.3711G>A on transcript NM_001127208.3 (MANE Select); coding-DNA position 3711, G replaced by A.
Protein change: p.Pro1237=; no amino-acid change (proline 1237 retained).
Molecular consequence: synonymous variant.
Genome position (GRCh38, 1-based): chr4:105,243,686, G>A. VCF-style: chr4-105243686-G-A. GRCh37 (hg19) VCF-style: chr4-106164843-G-A.
Other names: p.Pro1237=.
Identifiers: ClinVar variation 3047688 (VCV003047688.5), dbSNP rs1475424900, ClinGen allele CA440538103.

ClinVar aggregate classification (germline): Likely benign. Review status: criteria provided, multiple submitters, no conflicts (2 of 4 stars). 3 submissions from 3 submitters: Likely benign (2). 1 of the submissions does not count toward it. Last evaluated 2025-11-03.

Conditions:
TET2-related disorder. Also called: TET2-related condition.

Allele frequency attached by ClinVar (database versions not stated): gnomAD 0.00003.
gnomAD v4.1: 18 of 1,551,542 alleles (0.0012%); highest among the groups gnomAD compares: East Asian, 0.02%; no homozygotes.

Submissions (3):

Labcorp Genetics (formerly Invitae), Labcorp
Classification: Likely benign. Last evaluated: 2025-11-03. Review status: criteria provided, single submitter. Criteria: Invitae Variant Classification Sherloc (09022015). Collection method: clinical testing. Allele origin: germline.

Mayo Clinic Laboratories, Mayo Clinic
Classification: Likely benign. Last evaluated: 2024-10-09. Review status: criteria provided, single submitter. Criteria: ACMG Guidelines, 2015. Collection method: clinical testing. Allele origin: germline. Observed: 1 variant allele.
Comment: BP4, BP7

PreventionGenetics, part of Exact Sciences
Classification: Likely benign for TET2-related condition. Last evaluated: 2019-03-20. Review status: no assertion criteria provided. Collection method: clinical testing. Allele origin: germline. Not counted in ClinVar's aggregate classification.
Comment: This variant is classified as likely benign based on ACMG/AMP sequence variant interpretation guidelines (Richards et al. 2015 PMID: 25741868, with internal and published modifications).